The following is an entry in ClinVar:

NM_013266.4(CTNNA3):c.1172A>G (p.Asp391Gly)

Gene: CTNNA3 (catenin alpha 3; minus strand). Cytogenetic location: 10q21.3.
Variant type: single nucleotide variant.
Coding change: c.1172A>G on transcript NM_013266.4 (MANE Select); coding-DNA position 1172, A replaced by G.
Protein change: p.Asp391Gly; replaces aspartic acid 391 with glycine.
Molecular consequence: missense variant.
Genome position (GRCh38, 1-based): chr10:66,766,373, T>C on the plus strand (A>G on the coding strand, the complement: CTNNA3 is on the minus strand). VCF-style: chr10-66766373-T-C. GRCh37 (hg19) VCF-style: chr10-68526131-T-C.
Other names: c.1172A>G, p.Asp391Gly (NM_001127384.3); short protein forms D391G.
Identifiers: ClinVar variation 1739856 (VCV001739856.2), dbSNP rs772157953, ClinGen allele CA377091999.

ClinVar aggregate classification (germline): Uncertain significance (1 of 4 stars; one submission).

Submission:

Ambry Genetics
Classification: Uncertain significance. Last evaluated: 2021-09-20. Review status: criteria provided, single submitter. Criteria: Ambry Variant Classification Scheme 2023. Collection method: clinical testing. Allele origin: germline.
Comment: The p.D391G variant (also known as c.1172A>G), located in coding exon 8 of the CTNNA3 gene, results from an A to G substitution at nucleotide position 1172. The aspartic acid at codon 391 is replaced by glycine, an amino acid with similar properties. This amino acid position is conserved. In addition, the in silico prediction for this alteration is inconclusive. Since supporting evidence is limited at this time, the clinical significance of this alteration remains unclear.